The following is an entry in ClinVar:

NM_006231.4(POLE):c.3777C>T (p.Pro1259=)

Gene: POLE (DNA polymerase epsilon, catalytic subunit; minus strand). Cytogenetic location: 12q24.33.
Variant type: single nucleotide variant.
Coding change: c.3777C>T on transcript NM_006231.4 (MANE Select); coding-DNA position 3777, C replaced by T.
Protein change: p.Pro1259=; no amino-acid change (proline 1259 retained).
Molecular consequence: synonymous variant.
Genome position (GRCh38, 1-based): chr12:132,649,695, G>A on the plus strand (C>T on the coding strand, the complement: POLE is on the minus strand). VCF-style: chr12-132649695-G-A. GRCh37 (hg19) VCF-style: chr12-133226281-G-A.
Identifiers: ClinVar variation 389378 (VCV000389378.41), dbSNP rs770904877, ClinGen allele CA16606428.

ClinVar aggregate classification (germline): Benign/Likely benign. Review status: criteria provided, multiple submitters, no conflicts (2 of 4 stars). 6 submissions from 6 submitters: Benign (1); Likely benign (5). Last evaluated 2026-01-18.

Conditions:
Hereditary cancer-predisposing syndrome. Also called: Neoplastic Syndromes, Hereditary; Hereditary neoplastic syndrome; Tumor predisposition; Hereditary Cancer Syndrome. Identifiers: Orphanet 140162, MedGen C0027672, MeSH D009386, MONDO:0015356.
Colorectal cancer, susceptibility to, 12 (CRCS12). Also called: COLORECTAL CANCER, SUSCEPTIBILITY TO, ON CHROMOSOME 12q24. Identifiers: Orphanet 220460, MedGen C3554460, MONDO:0014038, OMIM 615083.

Allele frequency attached by ClinVar (database versions not stated): gnomAD 0.00002; TOPMed 0.00005.
gnomAD v4.1: 25 of 1,613,922 alleles (0.0015%); highest among the groups gnomAD compares: Admixed American, 0.0067%; no homozygotes.

Submissions (6):

Labcorp Genetics (formerly Invitae), Labcorp
Classification: Likely benign. Last evaluated: 2026-01-18. Review status: criteria provided, single submitter. Criteria: Invitae Variant Classification Sherloc (09022015). Collection method: clinical testing. Allele origin: germline.

KCCC/NGS Laboratory, Kuwait Cancer Control Center
Classification: Benign for Colorectal cancer, susceptibility to, 12. Last evaluated: 2025-02-01. Review status: criteria provided, single submitter. Criteria: ACMG Guidelines, 2015. Collection method: clinical testing. Allele origin: germline. Affected: no.

CeGaT Center for Human Genetics Tuebingen
Classification: Likely benign. Last evaluated: 2023-02-01. Review status: criteria provided, single submitter. Criteria: CeGaT Center For Human Genetics Tuebingen Variant Classification Criteria Version 2. Collection method: clinical testing. Allele origin: germline. Affected: yes. Observed: 1 variant allele.
Comment: POLE: BP4, BP7

Sema4
Classification: Likely benign for Hereditary cancer-predisposing syndrome. Last evaluated: 2021-04-19. Review status: criteria provided, single submitter. Criteria: Sema4 Curation Guidelines. Collection method: curation. Allele origin: germline.

GeneDx
Classification: Likely benign. Last evaluated: 2016-09-16. Review status: criteria provided, single submitter. Criteria: GeneDx Variant Classification (06012015). Collection method: clinical testing. Allele origin: germline. Affected: yes.
Comment: This variant is considered likely benign or benign based on one or more of the following criteria: it is a conservative change, it occurs at a poorly conserved position in the protein, it is predicted to be benign by multiple in silico algorithms, and/or has population frequency not consistent with disease.

Ambry Genetics
Classification: Likely benign for Hereditary cancer-predisposing syndrome. Last evaluated: 2016-04-26. Review status: criteria provided, single submitter. Criteria: Ambry Variant Classification Scheme 2023. Collection method: clinical testing. Allele origin: germline.